The following is an entry in ClinVar:

NM_006766.5(KAT6A):c.955C>A (p.Leu319Ile)

Gene: KAT6A (lysine acetyltransferase 6A; minus strand). Cytogenetic location: 8p11.21.
Variant type: single nucleotide variant.
Coding change: c.955C>A on transcript NM_006766.5 (MANE Select); coding-DNA position 955, C replaced by A.
Protein change: p.Leu319Ile; replaces leucine 319 with isoleucine.
Molecular consequence: missense variant.
Genome position (GRCh38, 1-based): chr8:41,978,730, G>T on the plus strand (C>A on the coding strand, the complement: KAT6A is on the minus strand). VCF-style: chr8-41978730-G-T. GRCh37 (hg19) VCF-style: chr8-41836248-G-T.
Other names: c.955C>A, p.Leu319Ile (NM_001305878.2); short protein forms L319I.
Identifiers: ClinVar variation 3687272 (VCV003687272.2).

ClinVar aggregate classification (germline): Uncertain significance (1 of 4 stars; one submission).

gnomAD v4.1: 1 of 1,613,704 alleles (0.000062%); highest among the groups gnomAD compares: African/African-American, 0.0013%; no homozygotes.

Submission:

Labcorp Genetics (formerly Invitae), Labcorp
Classification: Uncertain significance. Last evaluated: 2024-11-28. Review status: criteria provided, single submitter. Criteria: Invitae Variant Classification Sherloc (09022015). Collection method: clinical testing. Allele origin: germline.
Comment: This sequence change replaces leucine, which is neutral and non-polar, with isoleucine, which is neutral and non-polar, at codon 319 of the KAT6A protein (p.Leu319Ile). This variant is not present in population databases (gnomAD no frequency). This variant has not been reported in the literature in individuals affected with KAT6A-related conditions. Invitae Evidence Modeling of protein sequence and biophysical properties (such as structural, functional, and spatial information, amino acid conservation, physicochemical variation, residue mobility, and thermodynamic stability) indicates that this missense variant is not expected to disrupt KAT6A protein function with a negative predictive value of 95%. In summary, the available evidence is currently insufficient to determine the role of this variant in disease. Therefore, it has been classified as a Variant of Uncertain Significance.